The following is an entry in ClinVar:

ClinVar aggregate classification (germline): Uncertain significance. Review status: criteria provided, multiple submitters, no conflicts (2 of 4 stars). 3 submissions from 3 submitters: Uncertain significance (3). Last evaluated 2025-07-01.

Conditions:
Premature ovarian insufficiency (POF). Also called: Premature ovarian failure. Identifiers: MedGen C4303540, HP:0008209.

Allele frequency attached by ClinVar (database versions not stated): gnomAD exomes 0.00023 and 0.00040; 1000 Genomes Project 30x 0.00031; 1000 Genomes Project 0.00040; ExAC 0.00045; gnomAD 0.00017 and 0.00024; TOPMed 0.00022; ESP Exome Variant Server 0.00023.
gnomAD v4.1: 381 of 1,614,198 alleles (0.024%); highest among the groups gnomAD compares: Middle Eastern, 0.41%; 2 homozygotes.

Submissions (3):

Labcorp Genetics (formerly Invitae), Labcorp
Classification: Uncertain significance. Last evaluated: 2025-07-01. Review status: criteria provided, single submitter. Criteria: Invitae Variant Classification Sherloc (09022015). Collection method: clinical testing. Allele origin: germline.
Comment: This sequence change replaces glycine, which is neutral and non-polar, with aspartic acid, which is acidic and polar, at codon 1826 of the IGSF10 protein (p.Gly1826Asp). This variant is present in population databases (rs147801336, gnomAD 0.2%), and has an allele count higher than expected for a pathogenic variant. This missense change has been observed in individual(s) with hypergonadotropic hypogonadism (PMID: 31042289). ClinVar contains an entry for this variant (Variation ID: 812134). An algorithm developed to predict the effect of missense changes on protein structure and function (PolyPhen-2) suggests that this variant is likely to be tolerated. In summary, the available evidence is currently insufficient to determine the role of this variant in disease. Therefore, it has been classified as a Variant of Uncertain Significance.

Lupski Lab, Baylor-Hopkins CMG, Baylor College of Medicine
Classification: Uncertain significance for Primary Ovarian Insufficiency. Last evaluated: 2019-04-22. Review status: criteria provided, single submitter. Criteria: Jolly et al. (J Clin Endocrinol Metab. 2019). Collection method: research. Allele origin: inherited, unknown. Inheritance: Autosomal recessive inheritance. Affected: yes and no. Observed: 3 variant alleles, 2 heterozygotes, 1 homozygote. Clinical features observed: Hypergonadotropic hypogonadism (HP:0000815), Growth hormone deficiency (HP:0000824).

Breakthrough Genomics
Classification: Uncertain significance. Review status: criteria provided, single submitter. Criteria: ACMG Guidelines, 2015. Collection method: not provided. Allele origin: germline. Inheritance: Unknown mechanism. Affected: yes.

Literature cited by the submitters: PubMed 31042289 (cited by Labcorp Genetics (formerly Invitae), Labcorp).

NM_178822.5(IGSF10):c.5477G>A (p.Gly1826Asp)

Gene: IGSF10 (immunoglobulin superfamily member 10; minus strand). Cytogenetic location: 3q25.1.
Variant type: single nucleotide variant.
Coding change: c.5477G>A on transcript NM_178822.5 (MANE Select); coding-DNA position 5477, G replaced by A.
Protein change: p.Gly1826Asp; replaces glycine 1826 with aspartic acid.
Molecular consequence: missense variant.
Genome position (GRCh38, 1-based): chr3:151,443,470, C>T on the plus strand (G>A on the coding strand, the complement: IGSF10 is on the minus strand). VCF-style: chr3-151443470-C-T. GRCh37 (hg19) VCF-style: chr3-151161258-C-T.
Other names: c.5477G>A, p.Gly1826Asp (NM_001385062.1, NM_001385063.1, NM_001385060.1 and 1 more transcripts); short protein forms G1826D.
Identifiers: ClinVar variation 812134 (VCV000812134.10), dbSNP rs147801336, ClinGen allele CA2669726.